The following is an entry in ClinVar:

ClinVar aggregate classification (germline): Pathogenic/Likely pathogenic. Review status: criteria provided, multiple submitters, no conflicts (2 of 4 stars). 2 submissions from 2 submitters: Pathogenic (1); Likely pathogenic (1). Last evaluated 2024-02-26.

Submissions (2):

GeneDx
Classification: Pathogenic. Last evaluated: 2024-02-26. Review status: criteria provided, single submitter. Criteria: GeneDx Variant Classification Process June 2021. Collection method: clinical testing. Allele origin: germline. Affected: yes.
Comment: Reported in siblings with osteogenesis imperfecta (PMID: 28431466); Not observed at significant frequency in large population cohorts (gnomAD); Occurs in the triple helical domain and replaces a glycine in a canonical Gly-X-Y repeat; missense substitution of a canonical glycine residue is expected to disrupt normal protein folding and function, and this is an established mechanism of disease (PMID: 34007986); In silico analysis supports that this missense variant has a deleterious effect on protein structure/function; This variant is associated with the following publications: (PMID: 34007986, 28431466)

Revvity Omics, Revvity
Classification: Likely pathogenic. Last evaluated: 2022-01-06. Review status: criteria provided, single submitter. Criteria: ACMG Guidelines, 2015. Collection method: clinical testing. Allele origin: germline.

NM_000089.4(COL1A2):c.1081G>A (p.Gly361Ser)

Gene: COL1A2 (collagen type I alpha 2 chain; plus strand). Cytogenetic location: 7q21.3.
Variant type: single nucleotide variant.
Coding change: c.1081G>A on transcript NM_000089.4 (MANE Select); coding-DNA position 1081, G replaced by A.
Protein change: p.Gly361Ser; replaces glycine 361 with serine.
Molecular consequence: missense variant.
Genome position (GRCh38, 1-based): chr7:94,410,287, G>A. VCF-style: chr7-94410287-G-A. GRCh37 (hg19) VCF-style: chr7-94039599-G-A.
Other names: short protein forms G361S.
Identifiers: ClinVar variation 2439314 (VCV002439314.4), dbSNP rs1791894410, ClinGen allele CA368221106.